The following is an entry in ClinVar:

NM_000368.5(TSC1):c.1045C>G (p.Pro349Ala)

Gene: TSC1 (TSC complex subunit 1; minus strand). Cytogenetic location: 9q34.13.
Variant type: single nucleotide variant.
Coding change: c.1045C>G on transcript NM_000368.5 (MANE Select); coding-DNA position 1045, C replaced by G.
Protein change: p.Pro349Ala; replaces proline 349 with alanine.
Molecular consequence: missense variant.
Genome position (GRCh38, 1-based): chr9:132,911,098, G>C on the plus strand (C>G on the coding strand, the complement: TSC1 is on the minus strand). VCF-style: chr9-132911098-G-C. GRCh37 (hg19) VCF-style: chr9-135786485-G-C.
Other names: c.1045C>G, p.Pro349Ala (NM_001162426.2); c.892C>G, p.Pro298Ala (NM_001162427.2); c.682C>G, p.Pro228Ala (NM_001362177.2); short protein forms P228A, P298A, P349A.
Identifiers: ClinVar variation 861231 (VCV000861231.13), dbSNP rs779767990, ClinGen allele CA026865.

ClinVar aggregate classification (germline): Uncertain significance. Review status: criteria provided, multiple submitters, no conflicts (2 of 4 stars). 3 submissions from 3 submitters: Uncertain significance (3). Last evaluated 2025-10-01.

Conditions:
Hereditary cancer-predisposing syndrome. Also called: Hereditary Cancer Syndrome; Neoplastic Syndromes, Hereditary; Tumor predisposition; Hereditary neoplastic syndrome. Identifiers: Orphanet 140162, MedGen C0027672, MeSH D009386, MONDO:0015356.
Tuberous sclerosis 1 (TSC1). Identifiers: Orphanet 805, MedGen C1854465, MONDO:0008612, OMIM 191100.

Allele frequency attached by ClinVar (database versions not stated): ExAC 0.00001; gnomAD exomes 0.00001.
gnomAD v4.1: 3 of 1,614,026 alleles (0.00019%); highest among the groups gnomAD compares: Admixed American, 0.005%; no homozygotes.

Submissions (3):

CeGaT Center for Human Genetics Tuebingen
Classification: Uncertain significance. Last evaluated: 2025-10-01. Review status: criteria provided, single submitter. Criteria: CeGaT Center For Human Genetics Tuebingen Variant Classification Criteria Version 2. Collection method: clinical testing. Allele origin: germline. Affected: yes. Observed: 1 variant allele.
Comment: TSC1: PP2

Labcorp Genetics (formerly Invitae), Labcorp
Classification: Uncertain significance for Tuberous sclerosis 1. Last evaluated: 2024-11-11. Review status: criteria provided, single submitter. Criteria: Invitae Variant Classification Sherloc (09022015). Collection method: clinical testing. Allele origin: germline.
Comment: This sequence change replaces proline, which is neutral and non-polar, with alanine, which is neutral and non-polar, at codon 349 of the TSC1 protein (p.Pro349Ala). This variant is present in population databases (rs779767990, gnomAD 0.009%). This variant has not been reported in the literature in individuals affected with TSC1-related conditions. ClinVar contains an entry for this variant (Variation ID: 861231). Invitae Evidence Modeling of protein sequence and biophysical properties (such as structural, functional, and spatial information, amino acid conservation, physicochemical variation, residue mobility, and thermodynamic stability) has been performed for this missense variant. However, the output from this modeling did not meet the statistical confidence thresholds required to predict the impact of this variant on TSC1 protein function. In summary, the available evidence is currently insufficient to determine the role of this variant in disease. Therefore, it has been classified as a Variant of Uncertain Significance.

Ambry Genetics
Classification: Uncertain significance for Hereditary cancer-predisposing syndrome. Last evaluated: 2024-05-18. Review status: criteria provided, single submitter. Criteria: Ambry Variant Classification Scheme 2023. Collection method: clinical testing. Allele origin: germline.
Comment: The p.P349A variant (also known as c.1045C>G), located in coding exon 9 of the TSC1 gene, results from a C to G substitution at nucleotide position 1045. The proline at codon 349 is replaced by alanine, an amino acid with highly similar properties. This amino acid position is conserved. In addition, this alteration is predicted to be deleterious by in silico analysis. Based on the available evidence, the clinical significance of this variant remains unclear.